The following is an entry in ClinVar:

ClinVar aggregate classification (germline): Uncertain significance (1 of 4 stars; one submission).

Conditions:
Combined immunodeficiency due to CD3gamma deficiency. Also called: CD3-GAMMA DEFICIENCY; SCID-LIKE IMMUNODEFICIENCY, T CELL-PARTIAL, B CELL-POSITIVE, NK CELL-POSITIVE; Immunodeficiency 17; Immunodeficiency 17, CD3 gamma deficient. Identifiers: Orphanet 169082, MedGen C3810107, MONDO:0014276, OMIM 615607.

Submission:

Labcorp Genetics (formerly Invitae), Labcorp
Classification: Uncertain significance for Combined immunodeficiency due to CD3gamma deficiency. Last evaluated: 2025-12-17. Review status: criteria provided, single submitter. Criteria: Invitae Variant Classification Sherloc (09022015). Collection method: clinical testing. Allele origin: germline.
Comment: This sequence change replaces aspartic acid, which is acidic and polar, with glycine, which is neutral and non-polar, at codon 165 of the CD3G protein (p.Asp165Gly). This variant is present in population databases (no rsID available, gnomAD 0.03%). This variant has not been reported in the literature in individuals affected with CD3G-related conditions. An algorithm developed to predict the effect of missense changes on protein structure and function (PolyPhen-2) suggests that this variant is likely to be disruptive. In summary, the available evidence is currently insufficient to determine the role of this variant in disease. Therefore, it has been classified as a Variant of Uncertain Significance.

NM_000073.3(CD3G):c.494A>G (p.Asp165Gly)

Gene: CD3G (CD3 gamma subunit of T-cell receptor complex; plus strand). Cytogenetic location: 11q23.3.
Variant type: single nucleotide variant.
Coding change: c.494A>G on transcript NM_000073.3 (MANE Select); coding-DNA position 494, A replaced by G.
Protein change: p.Asp165Gly; replaces aspartic acid 165 with glycine.
Molecular consequence: missense variant.
Genome position (GRCh38, 1-based): chr11:118,352,414, A>G. VCF-style: chr11-118352414-A-G. GRCh37 (hg19) VCF-style: chr11-118223129-A-G.
Other names: c.494A>G, p.Asp165Gly (NM_001440319.1); short protein forms D165G.
Identifiers: ClinVar variation 4753621 (VCV004753621.1).